The following is an entry in ClinVar:

NM_001018115.3(FANCD2):c.1284T>C (p.Leu428=)

Genes: FANCD2 (FA complementation group D2; plus strand), LOC107303338 (3p25 FANCD2 Alu-mediated recombination region; plus strand). Cytogenetic location: 3p25.3.
Variant type: single nucleotide variant.
Coding change: c.1284T>C on transcript NM_001018115.3 (MANE Select); coding-DNA position 1284, T replaced by C.
Protein change: p.Leu428=; no amino-acid change (leucine 428 retained).
Molecular consequence: synonymous variant.
Genome position (GRCh38, 1-based): chr3:10,047,922, T>C. VCF-style: chr3-10047922-T-C. GRCh37 (hg19) VCF-style: chr3-10089606-T-C.
Other names: c.1284T>C, p.Leu428= (NM_001319984.2, NM_001374253.1, NM_001374254.1 and 1 more transcripts).
Identifiers: ClinVar variation 2653510 (VCV002653510.24), dbSNP rs749208049, ClinGen allele CA2249598.
Genomic context (GRCh38, chr3:10,047,922, plus strand): 5'-GTGTACTAACTGTTTCCTACAGCTTCTTTTCTCTCTCTACTCTTCCCCACTCAAGGTTCT[T>C]AAGGATATGTGTTCATCCATTCTGTCGCTGGCTCAGAGTTTGCTTCACTCTCTAGACCAG-3'
Protein context (NP_001018125.1, residues 418-438): QSTFSVHYLV[Leu428=]KDMCSSILSL

ClinVar aggregate classification (germline): Likely benign (1 of 4 stars; one submission).

Allele frequency attached by ClinVar (database versions not stated): gnomAD 0.00001; ExAC 0.00002.

Submission:

CeGaT Center for Human Genetics Tuebingen
Classification: Likely benign. Last evaluated: 2022-03-01. Review status: criteria provided, single submitter. Criteria: CeGaT Center For Human Genetics Tuebingen Variant Classification Criteria Version 2. Collection method: clinical testing. Allele origin: germline. Affected: yes. Observed: 1 variant allele.
Comment: FANCD2: BP4, BP7